The following is an entry in ClinVar:

ClinVar aggregate classification (germline): Pathogenic (1 of 4 stars; one submission).

Conditions:
Glycogen storage disease, type II (IOPD). Also called: Pompe Disease; Glucosidase acid-1,4-alpha deficiency; CARDIOMEGALIA GLYCOGENICA DIFFUSA; POMPE DISEASE, INFANTILE-ONSET; GLYCOGEN STORAGE DISEASE II, INFANTILE-ONSET; ACID ALPHA-GLUCOSIDASE DEFICIENCY, INFANTILE-ONSET. Identifiers: Orphanet 365, MedGen C0017921, MONDO:0009290, OMIM 232300.

Submission:

Labcorp Genetics (formerly Invitae), Labcorp
Classification: Pathogenic for Glycogen storage disease, type II. Last evaluated: 2022-08-06. Review status: criteria provided, single submitter. Criteria: Invitae Variant Classification Sherloc (09022015). Collection method: clinical testing. Allele origin: germline.
Comment: This variant has not been reported in the literature in individuals affected with GAA-related conditions. This variant is not present in population databases (gnomAD no frequency). This sequence change creates a premature translational stop signal (p.Leu369Profs*137) in the GAA gene. It is expected to result in an absent or disrupted protein product. Loss-of-function variants in GAA are known to be pathogenic (PMID: 18425781, 22252923). For these reasons, this variant has been classified as Pathogenic.

Literature cited by the submitters: PubMed 18425781; PubMed 22252923.

NM_000152.5(GAA):c.1105dup (p.Leu369fs)

Gene: GAA (alpha glucosidase; plus strand). Cytogenetic location: 17q25.3.
Variant type: Duplication.
Coding change: c.1105dup on transcript NM_000152.5 (MANE Select); coding-DNA position 1105, one base duplicated (C; older notation c.1105dupC).
Protein change: p.Leu369fs; shifts the reading frame from leucine 369.
Molecular consequence: frameshift variant.
Genome position (GRCh38, 1-based): chr17:80,108,518, C duplicated; the last of 2 consecutive C bases (chr17:80,108,517-80,108,518); duplicating either gives the same sequence. VCF-style (leftmost placement, unchanged base first): chr17-80108516-G-GC. GRCh37 (hg19) VCF-style: chr17-78082315-G-GC.
Other names: c.1105dup, p.Leu369fs (NM_001079803.3, NM_001079804.3); c.1105dup, p.Leu369Profs (NM_001406741.1, NM_001406742.1); short protein forms L369fs.
Identifiers: ClinVar variation 2022337 (VCV002022337.4), dbSNP rs2510363378, ClinGen allele CA2580095322.
Genomic context (GRCh38, chr17:80,108,516, plus strand): 5'-TCCCTCCCTCATGAAGTCGGCGTTGGCCTGCAGGATACCCGTTCATGCCGCCATACTGGG[G>GC]CCTGGGCTTCCACCTGTGCCGCTGGGGCTACTCCTCCACCGCTATCACCCGCCAGGTGGT-3'